The following is an entry in ClinVar:

ClinVar aggregate classification (germline): Uncertain significance. Review status: criteria provided, single submitter (1 of 4 stars). 2 submissions from 2 submitters: Uncertain significance (1). 1 of the submissions does not count toward it. Last evaluated 2024-04-24.

Conditions:
Fraser syndrome 2 (FRASRS2). Identifiers: MedGen C4540036, MONDO:0054738, OMIM 617666.

gnomAD v4.1: 8 of 1,614,134 alleles (0.0005%); highest among the groups gnomAD compares: Non-Finnish European, 0.00068%; no homozygotes.

Submissions (2):

Women's Health and Genetics/Laboratory Corporation of America, LabCorp
Classification: Uncertain significance. Last evaluated: 2024-04-24. Review status: criteria provided, single submitter. Criteria: LabCorp Variant Classification Summary - May 2015. Collection method: clinical testing. Allele origin: germline.
Comment: Variant summary: FREM2 c.2533C>T (p.His845Tyr) results in a conservative amino acid change in the encoded protein sequence. Five of five in-silico tools predict a benign effect of the variant on protein function. The variant was absent in 251438 control chromosomes. The available data on variant occurrences in the general population are insufficient to allow any conclusion about variant significance. c.2533C>T has been reported in the literature in one individual affected with Fraser syndrome (Connaughton_2019). These data do not allow any conclusion about variant significance. To our knowledge, no experimental evidence demonstrating an impact on protein function has been reported. The following publication have been ascertained in the context of this evaluation (PMID: 30773290). ClinVar contains an entry for this variant (Variation ID: 1344656). Based on the evidence outlined above, the variant was classified as uncertain significance.

Yale Center for Mendelian Genomics, Yale University
Classification: Likely pathogenic for Fraser syndrome 2. Last evaluated: 2019-02-14. Review status: no assertion criteria provided. Collection method: literature only. Allele origin: germline. Affected: yes. Observed: 1 homozygote. Study: Yale Center for Mendelian Genomics. Not counted in ClinVar's aggregate classification.

Literature cited by the submitters: PubMed 30773290 (cited by Women's Health and Genetics/Laboratory Corporation of America, LabCorp and Yale Center for Mendelian Genomics, Yale University).

NM_207361.6(FREM2):c.2533C>T (p.His845Tyr)

Gene: FREM2 (FRAS1 related extracellular matrix 2; plus strand). Cytogenetic location: 13q13.3.
Variant type: single nucleotide variant.
Coding change: c.2533C>T on transcript NM_207361.6 (MANE Select); coding-DNA position 2533, C replaced by T.
Protein change: p.His845Tyr; replaces histidine 845 with tyrosine.
Molecular consequence: missense variant.
Genome position (GRCh38, 1-based): chr13:38,689,877, C>T. VCF-style: chr13-38689877-C-T. GRCh37 (hg19) VCF-style: chr13-39264014-C-T.
Other names: short protein forms H845Y.
Identifiers: ClinVar variation 1344656 (VCV001344656.2), dbSNP rs1869732816, ClinGen allele CA387889028.